The following is an entry in ClinVar:

ClinVar aggregate classification (germline): Uncertain significance (1 of 4 stars; one submission).

Conditions:
Hyperinsulinism-hyperammonemia syndrome (HHF6). Identifiers: Orphanet 35878, MedGen C1847555, MONDO:0011717, OMIM 606762.

Submission:

Laboratorio de Genetica e Diagnostico Molecular, Hospital Israelita Albert Einstein
Classification: Uncertain significance for Hyperinsulinism-hyperammonemia syndrome. Last evaluated: 2022-11-18. Review status: criteria provided, single submitter. Criteria: ACMG Guidelines, 2015. Collection method: clinical testing. Allele origin: germline. Affected: yes.
Comment: ACMG classification criteria: PM2 moderated, PP3 supporting, PP4

NM_005271.5(GLUD1):c.719A>G (p.Tyr240Cys)

Gene: GLUD1 (glutamate dehydrogenase 1; minus strand). Cytogenetic location: 10q23.2.
Variant type: single nucleotide variant.
Coding change: c.719A>G on transcript NM_005271.5 (MANE Select); coding-DNA position 719, A replaced by G.
Protein change: p.Tyr240Cys; replaces tyrosine 240 with cysteine.
Molecular consequence: missense variant.
Genome position (GRCh38, 1-based): chr10:87,068,085, T>C on the plus strand (A>G on the coding strand, the complement: GLUD1 is on the minus strand). VCF-style: chr10-87068085-T-C. GRCh37 (hg19) VCF-style: chr10-88827842-T-C.
Other names: c.320A>G, p.Tyr107Cys (NM_001318900.1); c.218A>G, p.Tyr73Cys (NM_001318901.1, NM_001318902.1, NM_001318904.2 and 2 more transcripts); short protein forms Y107C, Y240C, Y73C.
Identifiers: ClinVar variation 2431524 (VCV002431524.2), dbSNP rs2539841259, ClinGen allele CA377471366.
Genomic context (GRCh38, chr10:87,068,085, plus strand): 5'-CAAATGCAGAAGCCTCGGGGCTTCCAGTGGGTACTCACATAGTGCCCTATGGTGCTGGCA[T>C]AGGTATCAGCGATCCAGGACATCTCCCGCTCACCTGTGCTCATGTCTGGAGCAGGCACAT-3'
Protein context (NP_005262.1, residues 230-250): EREMSWIADT[Tyr240Cys]ASTIGHYDIN